The following is an entry in ClinVar:

NM_003105.6(SORL1):c.3680G>T (p.Gly1227Val)

Gene: SORL1 (sortilin related receptor 1; plus strand). Cytogenetic location: 11q24.1.
Variant type: single nucleotide variant.
Coding change: c.3680G>T on transcript NM_003105.6 (MANE Select); coding-DNA position 3680, G replaced by T.
Protein change: p.Gly1227Val; replaces glycine 1227 with valine.
Molecular consequence: missense variant.
Genome position (GRCh38, 1-based): chr11:121,583,557, G>T. VCF-style: chr11-121583557-G-T. GRCh37 (hg19) VCF-style: chr11-121454266-G-T.
Other names: short protein forms G1227V.
Identifiers: ClinVar variation 2131190 (VCV002131190.4), dbSNP rs776204133, ClinGen allele CA229858837.

ClinVar aggregate classification (germline): Uncertain significance (1 of 4 stars; one submission).

Allele frequency attached by ClinVar (database versions not stated): gnomAD exomes below 0.00001.
gnomAD v4.1: 1 of 1,611,600 alleles (0.000062%); highest among the groups gnomAD compares: Non-Finnish European, 0.000085%; no homozygotes.

Submission:

Labcorp Genetics (formerly Invitae), Labcorp
Classification: Uncertain significance. Last evaluated: 2022-04-28. Review status: criteria provided, single submitter. Criteria: Invitae Variant Classification Sherloc (09022015). Collection method: clinical testing. Allele origin: germline.
Comment: In summary, the available evidence is currently insufficient to determine the role of this variant in disease. Therefore, it has been classified as a Variant of Uncertain Significance. Algorithms developed to predict the effect of missense changes on protein structure and function are either unavailable or do not agree on the potential impact of this missense change (SIFT: "Deleterious"; PolyPhen-2: "Probably Damaging"; Align-GVGD: "Class C0"). This variant has not been reported in the literature in individuals affected with SORL1-related conditions. This variant is not present in population databases (gnomAD no frequency). This sequence change replaces glycine, which is neutral and non-polar, with valine, which is neutral and non-polar, at codon 1227 of the SORL1 protein (p.Gly1227Val).